The following is an entry in ClinVar:

NM_003680.4(YARS1):c.60G>A (p.Glu20=)

Gene: YARS1 (tyrosyl-tRNA synthetase 1; minus strand). Cytogenetic location: 1p35.1.
Variant type: single nucleotide variant.
Coding change: c.60G>A on transcript NM_003680.4 (MANE Select); coding-DNA position 60, G replaced by A.
Protein change: p.Glu20=; no amino-acid change (glutamic acid 20 retained).
Molecular consequence: synonymous variant.
Genome position (GRCh38, 1-based): chr1:32,811,055, C>T on the plus strand (G>A on the coding strand, the complement: YARS1 is on the minus strand). VCF-style: chr1-32811055-C-T. GRCh37 (hg19) VCF-style: chr1-33276656-C-T.
Identifiers: ClinVar variation 297162 (VCV000297162.25), dbSNP rs143712443, ClinGen allele CA745290.

ClinVar aggregate classification (germline): Benign/Likely benign. Review status: criteria provided, multiple submitters, no conflicts (2 of 4 stars). 4 submissions from 4 submitters: Benign (3); Likely benign (1). Last evaluated 2026-01-19.

Conditions:
Charcot-Marie-Tooth disease dominant intermediate C (CMTDIC). Also called: CHARCOT-MARIE-TOOTH NEUROPATHY, DOMINANT INTERMEDIATE C. Identifiers: Orphanet 100045, MedGen C1842237, MONDO:0012012, OMIM 608323.

Allele frequency attached by ClinVar (database versions not stated): TOPMed 0.00038; gnomAD 0.00046 and 0.00024; gnomAD exomes 0.00052 and 0.00105; ExAC 0.00105; 1000 Genomes Project 30x 0.00250; 1000 Genomes Project 0.00280.
gnomAD v4.1: 824 of 1,614,156 alleles (0.051%); highest among the groups gnomAD compares: East Asian, 1.7%; 7 homozygotes.

Submissions (4):

Labcorp Genetics (formerly Invitae), Labcorp
Classification: Benign for Charcot-Marie-Tooth disease dominant intermediate C. Last evaluated: 2026-01-19. Review status: criteria provided, single submitter. Criteria: Invitae Variant Classification Sherloc (09022015). Collection method: clinical testing. Allele origin: germline.

ARUP Laboratories, Molecular Genetics and Genomics, ARUP Laboratories
Classification: Benign. Last evaluated: 2023-09-26. Review status: criteria provided, single submitter. Criteria: ARUP Molecular Germline Variant Investigation Process 2024. Collection method: clinical testing. Allele origin: germline.

GeneDx
Classification: Likely benign. Last evaluated: 2020-02-26. Review status: criteria provided, single submitter. Criteria: GeneDx Variant Classification Process June 2021. Collection method: clinical testing. Allele origin: germline. Affected: yes.

Illumina Laboratory Services, Illumina
Classification: Benign for Charcot-Marie-Tooth disease dominant intermediate C. Last evaluated: 2018-01-12. Review status: criteria provided, single submitter. Criteria: ICSL Variant Classification Criteria 13 December 2019. Collection method: clinical testing. Allele origin: germline.
Comment: This variant was observed in the ICSL laboratory as part of a predisposition screen in an ostensibly healthy population. It had not been previously curated by ICSL or reported in the Human Gene Mutation Database (HGMD: prior to June 1st, 2018), and was therefore a candidate for classification through an automated scoring system. Utilizing variant allele frequency, disease prevalence and penetrance estimates, and inheritance mode, an automated score was calculated to assess if this variant is too frequent to cause the disease. Based on the score and internal cut-off values, a variant classified as benign is not then subjected to further curation. The score for this variant resulted in a classification of benign for this disease.